The following is an entry in ClinVar:

ClinVar aggregate classification (germline): Benign. Review status: criteria provided, single submitter (1 of 4 stars). 2 submissions from 1 submitter: Benign (2). Last evaluated 2018-01-13.

Conditions:
Severe combined immunodeficiency, autosomal recessive, T cell-negative, B cell-negative, NK cell-positive. Also called: Severe combined immunodeficiency due to complete RAG1/2 deficiency; SCID, AR, T-cell negative, B-cell negative, NK cell-positive; SCID, T CELL-NEGATIVE, B CELL-NEGATIVE, NK CELL-POSITIVE. Identifiers: Orphanet 331206, MedGen C1832322, MONDO:0011086, OMIM 601457.
Histiocytic medullary reticulosis. Also called: Omenn syndrome; SEVERE COMBINED IMMUNODEFICIENCY WITH HYPEREOSINOPHILIA. Identifiers: Orphanet 39041, MedGen C2700553, MONDO:0011338, OMIM 603554.

Allele frequency attached by ClinVar (database versions not stated): gnomAD exomes 0.00214; gnomAD 0.01228 and 0.01277; TOPMed 0.01416; 1000 Genomes Project 30x 0.01421; 1000 Genomes Project 0.01478.
gnomAD v4.1: 1,999 of 166,438 alleles (1.2%); highest among the groups gnomAD compares: East Asian, 3.4%; 25 homozygotes.

Submissions (2):

Illumina Laboratory Services, Illumina
Classification: Benign for Severe combined immunodeficiency, autosomal recessive, T cell-negative, B cell-negative, NK cell-positive. Last evaluated: 2018-01-13. Review status: criteria provided, single submitter. Criteria: ICSL Variant Classification Criteria 13 December 2019. Collection method: clinical testing. Allele origin: germline.
Comment: This variant was observed in the ICSL laboratory as part of a predisposition screen in an ostensibly healthy population. It had not been previously curated by ICSL or reported in the Human Gene Mutation Database (HGMD: prior to June 1st, 2018), and was therefore a candidate for classification through an automated scoring system. Utilizing variant allele frequency, disease prevalence and penetrance estimates, and inheritance mode, an automated score was calculated to assess if this variant is too frequent to cause the disease. Based on the score and internal cut-off values, a variant classified as benign is not then subjected to further curation. The score for this variant resulted in a classification of benign for this disease.

Illumina Laboratory Services, Illumina
Classification: Benign for Histiocytic medullary reticulosis. Last evaluated: 2018-01-13. Review status: criteria provided, single submitter. Criteria: ICSL Variant Classification Criteria 13 December 2019. Collection method: clinical testing. Allele origin: germline.
Comment: the same text as in the submission from Illumina Laboratory Services, Illumina above.

NM_000448.3(RAG1):c.*1978C>T

Gene: RAG1 (recombination activating 1; plus strand). Cytogenetic location: 11p12.
Variant type: single nucleotide variant.
Coding change: c.*1978C>T on transcript NM_000448.3 (MANE Select); 1978 bases downstream of the stop codon, C replaced by T.
Molecular consequence: 3 prime UTR variant.
Genome position (GRCh38, 1-based): chr11:36,578,414, C>T. VCF-style: chr11-36578414-C-T. GRCh37 (hg19) VCF-style: chr11-36599964-C-T.
Other names: c.*1978C>T (NM_001377277.1, NM_001377278.1, NM_001377279.1 and 1 more transcripts).
Identifiers: ClinVar variation 878781 (VCV000878781.4), dbSNP rs4151044, ClinGen allele CA220566836.